The following is an entry in ClinVar:

ClinVar aggregate classification (germline): Uncertain significance. Review status: criteria provided, multiple submitters, no conflicts (2 of 4 stars). 2 submissions from 2 submitters: Uncertain significance (2). Last evaluated 2025-05-26.

Conditions:
Inborn genetic diseases. Identifiers: MedGen C0950123, MeSH D030342.

Submissions (2):

Ambry Genetics
Classification: Uncertain significance for Inborn genetic diseases. Last evaluated: 2025-05-26. Review status: criteria provided, single submitter. Criteria: Ambry Variant Classification Scheme 2023. Collection method: clinical testing. Allele origin: germline.

Labcorp Genetics (formerly Invitae), Labcorp
Classification: Uncertain significance. Last evaluated: 2024-04-29. Review status: criteria provided, single submitter. Criteria: Invitae Variant Classification Sherloc (09022015). Collection method: clinical testing. Allele origin: germline.
Comment: This sequence change replaces threonine, which is neutral and polar, with alanine, which is neutral and non-polar, at codon 199 of the PCDH15 protein (p.Thr199Ala). This variant is not present in population databases (gnomAD no frequency). This variant has not been reported in the literature in individuals affected with PCDH15-related conditions. ClinVar contains an entry for this variant (Variation ID: 1917758). Algorithms developed to predict the effect of missense changes on protein structure and function output the following: SIFT: "Not Available"; PolyPhen-2: "Benign"; Align-GVGD: "Not Available". The alanine amino acid residue is found in multiple mammalian species, which suggests that this missense change does not adversely affect protein function. In summary, the available evidence is currently insufficient to determine the role of this variant in disease. Therefore, it has been classified as a Variant of Uncertain Significance.

NM_001384140.1(PCDH15):c.595A>G (p.Thr199Ala)

Gene: PCDH15 (protocadherin related 15; minus strand). Cytogenetic location: 10q21.1.
Variant type: single nucleotide variant.
Coding change: c.595A>G on transcript NM_001384140.1 (MANE Select); coding-DNA position 595, A replaced by G.
Protein change: p.Thr199Ala; replaces threonine 199 with alanine.
Molecular consequence: missense variant. On other transcripts: intron variant (1).
Genome position (GRCh38, 1-based): chr10:54,329,706, T>C on the plus strand (A>G on the coding strand, the complement: PCDH15 is on the minus strand). VCF-style: chr10-54329706-T-C. GRCh37 (hg19) VCF-style: chr10-56089466-T-C.
Other names: c.610A>G, p.Thr204Ala (NM_001142763.2, NM_001142769.4, NM_001142771.2); c.595A>G, p.Thr199Ala (NM_001142764.2, NM_001142765.2, NM_001142766.2 and 7 more transcripts); c.529A>G, p.Thr177Ala (NM_001142768.2, NM_001142773.2, NM_001354404.2); c.595-12265A>G (NM_001142767.2); short protein forms T199A, T177A, T204A.
Identifiers: ClinVar variation 1917758 (VCV001917758.6), dbSNP rs1939027000, ClinGen allele CA376541353.